The following is an entry in ClinVar:

NM_001035.3(RYR2):c.389T>C (p.Leu130Pro)

Gene: RYR2 (ryanodine receptor 2; plus strand). Cytogenetic location: 1q43.
Variant type: single nucleotide variant.
Coding change: c.389T>C on transcript NM_001035.3 (MANE Select); coding-DNA position 389, T replaced by C.
Protein change: p.Leu130Pro; replaces leucine 130 with proline.
Molecular consequence: missense variant.
Genome position (GRCh38, 1-based): chr1:237,374,721, T>C. VCF-style: chr1-237374721-T-C. GRCh37 (hg19) VCF-style: chr1-237538021-T-C.
Other names: short protein forms L130P.
Identifiers: ClinVar variation 4158453 (VCV004158453.1).
Genomic context (GRCh38, chr1:237,374,721, plus strand): 5'-ACAAACAACAGACGAACAAAACCTCTACTTACAACTACTGATTTTGTACTTTGTAGTATC[T>C]GTGCTGCCTGTCCACCTCCCGGTCTTCAACTGATAAGCTGGCTTTTGATGTTGGCTTGCA-3'
Protein context (NP_001026.2, residues 120-140): LLRHSYSGMY[Leu130Pro]CCLSTSRSST

ClinVar aggregate classification (germline): Uncertain significance (1 of 4 stars; one submission).

Conditions:
Cardiovascular phenotype. Identifiers: MedGen CN230736.

Submission:

Ambry Genetics
Classification: Uncertain significance for Cardiovascular phenotype. Last evaluated: 2025-09-11. Review status: criteria provided, single submitter. Criteria: Ambry Variant Classification Scheme 2023. Collection method: clinical testing. Allele origin: germline.
Comment: The p.L130P variant (also known as c.389T>C), located in coding exon 7 of the RYR2 gene, results from a T to C substitution at nucleotide position 389. The leucine at codon 130 is replaced by proline, an amino acid with similar properties. This amino acid position is highly conserved in available vertebrate species. In addition, this alteration is predicted to be deleterious by in silico analysis. Based on the available evidence, the clinical significance of this variant remains unclear.